The following is an entry in ClinVar:

ClinVar aggregate classification (germline): Uncertain significance. Review status: criteria provided, multiple submitters, no conflicts (2 of 4 stars). 2 submissions from 2 submitters: Uncertain significance (2). Last evaluated 2025-12-23.

Conditions:
Cardiovascular phenotype. Identifiers: MedGen CN230736.
Dilated cardiomyopathy 1AA (CMD1AA). Also called: CARDIOMYOPATHY, DILATED, 1AA, WITH OR WITHOUT LEFT VENTRICULAR NONCOMPACTION; CARDIOMYOPATHY, FAMILIAL HYPERTROPHIC, 23, WITH OR WITHOUT LEFT VENTRICULAR NONCOMPACTION; Cardiomyopathy, dilated, 1AA, with or without LVNC. Identifiers: Orphanet 154, MedGen C2677338, MONDO:0012808, OMIM 612158.
Primary familial hypertrophic cardiomyopathy (HCM). Identifiers: Orphanet 99739, MedGen C0949658, MeSH D024741, MONDO:0024573. Inheritance: Various modes of inheritance.

Allele frequency attached by ClinVar (database versions not stated): gnomAD 0.00001; gnomAD exomes 0.00001; ExAC 0.00002; TOPMed 0.00003.
gnomAD v4.1: 15 of 1,613,518 alleles (0.00093%); highest among the groups gnomAD compares: Admixed American, 0.023%; no homozygotes.

Submissions (2):

Ambry Genetics
Classification: Uncertain significance for Cardiovascular phenotype. Last evaluated: 2025-12-23. Review status: criteria provided, single submitter. Criteria: Ambry Variant Classification Scheme 2023. Collection method: clinical testing. Allele origin: germline.
Comment: The c.783+4C>T intronic variant results from a C to T substitution 4 nucleotides after coding exon 8 in the ACTN2 gene. This nucleotide position is poorly conserved in available vertebrate species. In silico splice site analysis predicts that this alteration will not have any significant effect on splicing. Based on the available evidence, the clinical significance of this variant remains unclear.

Labcorp Genetics (formerly Invitae), Labcorp
Classification: Uncertain significance for Primary familial hypertrophic cardiomyopathy; Dilated cardiomyopathy 1AA. Last evaluated: 2024-11-11. Review status: criteria provided, single submitter. Criteria: Invitae Variant Classification Sherloc (09022015). Collection method: clinical testing. Allele origin: germline.
Comment: This sequence change falls in intron 8 of the ACTN2 gene. It does not directly change the encoded amino acid sequence of the ACTN2 protein. It affects a nucleotide within the consensus splice site. This variant is present in population databases (rs762715867, gnomAD 0.03%). This variant has not been reported in the literature in individuals affected with ACTN2-related conditions. ClinVar contains an entry for this variant (Variation ID: 2087277). Variants that disrupt the consensus splice site are a relatively common cause of aberrant splicing (PMID: 17576681, 9536098). Algorithms developed to predict the effect of sequence changes on RNA splicing suggest that this variant is not likely to affect RNA splicing. In summary, the available evidence is currently insufficient to determine the role of this variant in disease. Therefore, it has been classified as a Variant of Uncertain Significance.

Literature cited by the submitters: PubMed 17576681 (cited by Labcorp Genetics (formerly Invitae), Labcorp); PubMed 9536098 (cited by Labcorp Genetics (formerly Invitae), Labcorp).

NM_001103.4(ACTN2):c.783+4C>T

Gene: ACTN2 (actinin alpha 2; plus strand). Cytogenetic location: 1q43.
Variant type: single nucleotide variant.
Coding change: c.783+4C>T on transcript NM_001103.4 (MANE Select); 4 bases into the intron after coding-DNA position 783, C replaced by T.
Molecular consequence: intron variant.
Genome position (GRCh38, 1-based): chr1:236,735,724, C>T. VCF-style: chr1-236735724-C-T. GRCh37 (hg19) VCF-style: chr1-236899024-C-T.
Other names: c.783+4C>T (NM_001103.2); c.48+4C>T (NM_001278344.2); c.783+1206C>T (NM_001278343.2).
Identifiers: ClinVar variation 2087277 (VCV002087277.4), dbSNP rs762715867, ClinGen allele CA1472928.